The following is an entry in ClinVar:

NM_000171.4(GLRA1):c.719C>T (p.Ala240Val)

Gene: GLRA1 (glycine receptor alpha 1; minus strand). Cytogenetic location: 5q33.1.
Variant type: single nucleotide variant.
Coding change: c.719C>T on transcript NM_000171.4 (MANE Select); coding-DNA position 719, C replaced by T.
Protein change: p.Ala240Val; replaces alanine 240 with valine.
Molecular consequence: missense variant.
Genome position (GRCh38, 1-based): chr5:151,851,583, G>A on the plus strand (C>T on the coding strand, the complement: GLRA1 is on the minus strand). VCF-style: chr5-151851583-G-A. GRCh37 (hg19) VCF-style: chr5-151231144-G-A.
Other names: c.719C>T, p.Ala240Val (NM_001146040.2); c.470C>T, p.Ala157Val (NM_001292000.2); short protein forms A240V, A157V.
Identifiers: ClinVar variation 2729828 (VCV002729828.4), dbSNP rs762182371, ClinGen allele CA3523607.

ClinVar aggregate classification (germline): Uncertain significance. Review status: criteria provided, multiple submitters, no conflicts (2 of 4 stars). 2 submissions from 2 submitters: Uncertain significance (2). Last evaluated 2024-05-10.

Conditions:
Hereditary hyperekplexia. Identifiers: Orphanet 3197, MedGen C4084968, MONDO:0021022.

Allele frequency attached by ClinVar (database versions not stated): gnomAD exomes below 0.00001; ExAC 0.00001.

Submissions (2):

Women's Health and Genetics/Laboratory Corporation of America, LabCorp
Classification: Uncertain significance. Last evaluated: 2024-05-10. Review status: criteria provided, single submitter. Criteria: LabCorp Variant Classification Summary - May 2015. Collection method: clinical testing. Allele origin: germline.
Comment: Variant summary: GLRA1 c.719C>T (p.Ala240Val) results in a non-conservative amino acid change located in the Neurotransmitter-gated ion-channel ligand-binding domain (IPRIPR006202) of the encoded protein sequence. Two of four in-silico tools predict a benign effect of the variant on protein function. The variant allele was found at a frequency of 4e-06 in 251382 control chromosomes. The available data on variant occurrences in the general population are insufficient to allow any conclusion about variant significance. To our knowledge, no occurrence of c.719C>T in individuals affected with Hyperekplexia 1 and no experimental evidence demonstrating its impact on protein function have been reported. ClinVar contains an entry for this variant (Variation ID: 2729828). Based on the evidence outlined above, the variant was classified as uncertain significance.

Labcorp Genetics (formerly Invitae), Labcorp
Classification: Uncertain significance for Hereditary hyperekplexia. Last evaluated: 2023-10-28. Review status: criteria provided, single submitter. Criteria: Invitae Variant Classification Sherloc (09022015). Collection method: clinical testing. Allele origin: germline.
Comment: This sequence change replaces alanine, which is neutral and non-polar, with valine, which is neutral and non-polar, at codon 240 of the GLRA1 protein (p.Ala240Val). This variant is present in population databases (rs762182371, gnomAD 0.003%). This variant has not been reported in the literature in individuals affected with GLRA1-related conditions. Advanced modeling of protein sequence and biophysical properties (such as structural, functional, and spatial information, amino acid conservation, physicochemical variation, residue mobility, and thermodynamic stability) performed at Invitae indicates that this missense variant is not expected to disrupt GLRA1 protein function with a negative predictive value of 80%. In summary, the available evidence is currently insufficient to determine the role of this variant in disease. Therefore, it has been classified as a Variant of Uncertain Significance.